The following is an entry in ClinVar:

NM_000245.4(MET):c.3038C>G (p.Pro1013Arg)

Gene: MET (MET proto-oncogene, receptor tyrosine kinase; plus strand). Cytogenetic location: 7q31.2.
Variant type: single nucleotide variant.
Coding change: c.3038C>G on transcript NM_000245.4 (MANE Select); coding-DNA position 3038, C replaced by G.
Protein change: p.Pro1013Arg; replaces proline 1013 with arginine.
Molecular consequence: missense variant.
Genome position (GRCh38, 1-based): chr7:116,774,890, C>G. VCF-style: chr7-116774890-C-G. GRCh37 (hg19) VCF-style: chr7-116414944-C-G.
Other names: c.3092C>G, p.Pro1031Arg (NM_001127500.3); c.1748C>G, p.Pro583Arg (NM_001324402.2); short protein forms P1031R, P583R, P1013R.
Identifiers: ClinVar variation 1370848 (VCV001370848.6), dbSNP rs1203610182, ClinGen allele CA368987773.
Genomic context (GRCh38, chr7:116,774,890, plus strand): 5'-ATTAAATGAGGTTTTACTGTTGTTCTTTAATAATTTTCCTTCATCTTACAGATCAGTTTC[C>G]TAATTCATCTCAGAACGGTTCATGCCGACAAGTGCAGTATCCTCTGACAGACATGTCCCC-3'
Protein context (NP_000236.2, residues 1003-1023): YRATFPEDQF[Pro1013Arg]NSSQNGSCRQ

ClinVar aggregate classification (germline): Uncertain significance (1 of 4 stars; one submission).

Conditions:
Renal cell carcinoma. Identifiers: Orphanet 217071, MedGen C0007134, MeSH D002292, MONDO:0005086, HP:0005584.

gnomAD v4.1: 2 of 1,613,890 alleles (0.00012%); highest among the groups gnomAD compares: South Asian, 0.0011%; no homozygotes.

Submission:

Labcorp Genetics (formerly Invitae), Labcorp
Classification: Uncertain significance for Renal cell carcinoma. Last evaluated: 2021-07-29. Review status: criteria provided, single submitter. Criteria: Invitae Variant Classification Sherloc (09022015). Collection method: clinical testing. Allele origin: germline.
Comment: In summary, the available evidence is currently insufficient to determine the role of this variant in disease. Therefore, it has been classified as a Variant of Uncertain Significance. Algorithms developed to predict the effect of sequence changes on RNA splicing suggest that this variant may create or strengthen a splice site. Algorithms developed to predict the effect of missense changes on protein structure and function are either unavailable or do not agree on the potential impact of this missense change (SIFT: "Tolerated"; PolyPhen-2: "Possibly Damaging"; Align-GVGD: "Class C0"). This variant has not been reported in the literature in individuals affected with MET-related conditions. This variant is not present in population databases (ExAC no frequency). This sequence change replaces proline with arginine at codon 1031 of the MET protein (p.Pro1031Arg). The proline residue is highly conserved and there is a moderate physicochemical difference between proline and arginine.